The following is an entry in ClinVar:

ClinVar aggregate classification (germline): Uncertain significance (1 of 4 stars; one submission).

Conditions:
Neuropathy, hereditary sensory and autonomic, type 2A (HSAN2A). Also called: ACROOSTEOLYSIS, GIACCAI TYPE; ACROOSTEOLYSIS, NEUROGENIC; MORVAN DISEASE; NEUROPATHY, CONGENITAL SENSORY; NEUROPATHY, HEREDITARY SENSORY RADICULAR, AUTOSOMAL RECESSIVE; NEUROPATHY, HEREDITARY SENSORY, TYPE IIA. Identifiers: Orphanet 970, MedGen C2752089, MONDO:0024309, OMIM 201300.
Pseudohypoaldosteronism type 2C (PHA2C). Also called: Pseudohypoaldosteronism Type IIC. Identifiers: Orphanet 757, Orphanet 88940, MedGen C1840391, MONDO:0013778, OMIM 614492.

Submission:

Labcorp Genetics (formerly Invitae), Labcorp
Classification: Uncertain significance for Neuropathy, hereditary sensory and autonomic, type 2A; Pseudohypoaldosteronism type 2C. Last evaluated: 2024-08-05. Review status: criteria provided, single submitter. Criteria: Invitae Variant Classification Sherloc (09022015). Collection method: clinical testing. Allele origin: germline.
Comment: This sequence change replaces proline, which is neutral and non-polar, with arginine, which is basic and polar, at codon 743 of the WNK1 protein (p.Pro743Arg). This variant is not present in population databases (gnomAD no frequency). This variant has not been reported in the literature in individuals affected with WNK1-related conditions. ClinVar contains an entry for this variant (Variation ID: 2038525). Advanced modeling of protein sequence and biophysical properties (such as structural, functional, and spatial information, amino acid conservation, physicochemical variation, residue mobility, and thermodynamic stability) performed at Invitae indicates that this missense variant is not expected to disrupt WNK1 protein function with a negative predictive value of 95%. In summary, the available evidence is currently insufficient to determine the role of this variant in disease. Therefore, it has been classified as a Variant of Uncertain Significance.

NM_213655.5(WNK1):c.2228C>G (p.Pro743Arg)

Gene: WNK1 (WNK lysine deficient protein kinase 1; plus strand). Cytogenetic location: 12p13.33.
Variant type: single nucleotide variant.
Coding change: c.2228C>G on transcript NM_213655.5 (MANE Plus Clinical); coding-DNA position 2228, C replaced by G.
Protein change: p.Pro743Arg; replaces proline 743 with arginine.
Molecular consequence: missense variant. On other transcripts: intron variant (3).
Genome position (GRCh38, 1-based): chr12:865,198, C>G. VCF-style: chr12-865198-C-G. GRCh37 (hg19) VCF-style: chr12-974364-C-G.
Other names: c.2140-2668C>G (NM_001184985.2); c.2139+2928C>G (NM_018979.4, NM_014823.3); short protein forms P743R.
Identifiers: ClinVar variation 2038525 (VCV002038525.4), dbSNP rs528772088, ClinGen allele CA383337595.